The following is an entry in ClinVar:

ClinVar aggregate classification (germline): Uncertain significance (1 of 4 stars; one submission).

Conditions:
Inborn genetic diseases. Identifiers: MedGen C0950123, MeSH D030342.

gnomAD v4.1: 2 of 1,602,614 alleles (0.00012%); highest among the groups gnomAD compares: Non-Finnish European, 0.00017%; no homozygotes.

Submission:

Ambry Genetics
Classification: Uncertain significance for Inborn genetic diseases. Last evaluated: 2025-10-02. Review status: criteria provided, single submitter. Criteria: Ambry Variant Classification Scheme 2023. Collection method: clinical testing. Allele origin: germline.
Comment: The c.476G>T (p.C159F) alteration is located in exon 2 (coding exon 2) of the KCNQ5 gene. This alteration results from a G to T substitution at nucleotide position 476, causing the cysteine (C) at amino acid position 159 to be replaced by a phenylalanine (F). This variant was not reported in population-based cohorts in the Genome Aggregation Database (gnomAD). This amino acid position is highly conserved in available vertebrate species. This missense alteration is located in a region that has a low rate of benign missense variation (Lek, 2016; Firth, 2009). This alteration is predicted to be deleterious by in silico analysis. Based on insufficient or conflicting evidence, the clinical significance of this alteration remains unclear.

NM_019842.4(KCNQ5):c.476G>T (p.Cys159Phe)

Gene: KCNQ5 (potassium voltage-gated channel subfamily Q member 5; plus strand). Cytogenetic location: 6q13.
Variant type: single nucleotide variant.
Coding change: c.476G>T on transcript NM_019842.4 (MANE Select); coding-DNA position 476, G replaced by T.
Protein change: p.Cys159Phe; replaces cysteine 159 with phenylalanine.
Molecular consequence: missense variant.
Genome position (GRCh38, 1-based): chr6:73,003,985, G>T. VCF-style: chr6-73003985-G-T. GRCh37 (hg19) VCF-style: chr6-73713708-G-T.
Other names: c.476G>T, p.Cys159Phe (NM_001160130.2, NM_001160132.2, NM_001160133.2 and 1 more transcripts); short protein forms C159F.
Identifiers: ClinVar variation 3863011 (VCV003863011.3).
Genomic context (GRCh38, chr6:73,003,985, plus strand): 5'-GTTGCTTGATTTTGTCAGTGTTTTCTACCATCCCTGAGCACACAAAATTGGCCTCAAGTT[G>T]CCTCTTGATCCTGGTAAGTGAAACATGAACAAGAACGTACATGAATGTTGTATAAGAACT-3'
Protein context (NP_062816.2, residues 149-169): IPEHTKLASS[Cys159Phe]LLILEFVMIV